The following is an entry in ClinVar:

ClinVar aggregate classification (germline): Uncertain significance (1 of 4 stars; one submission).

Submission:

Labcorp Genetics (formerly Invitae), Labcorp
Classification: Uncertain significance. Last evaluated: 2022-10-20. Review status: criteria provided, single submitter. Criteria: Invitae Variant Classification Sherloc (09022015). Collection method: clinical testing. Allele origin: germline.
Comment: This variant has not been reported in the literature in individuals affected with ERBIN-related conditions. In summary, the available evidence is currently insufficient to determine the role of this variant in disease. Therefore, it has been classified as a Variant of Uncertain Significance. Algorithms developed to predict the effect of missense changes on protein structure and function are either unavailable or do not agree on the potential impact of this missense change (SIFT: "Deleterious"; PolyPhen-2: "Probably Damaging"; Align-GVGD: "Class C0"). This variant is not present in population databases (gnomAD no frequency). This sequence change replaces valine, which is neutral and non-polar, with leucine, which is neutral and non-polar, at codon 627 of the ERBIN protein (p.Val627Leu).

NM_001253697.2(ERBIN):c.1879G>T (p.Val627Leu)

Gene: ERBIN (erbb2 interacting protein; plus strand). Cytogenetic location: 5q12.3.
Variant type: single nucleotide variant.
Coding change: c.1879G>T on transcript NM_001253697.2 (MANE Select); coding-DNA position 1879, G replaced by T.
Protein change: p.Val627Leu; replaces valine 627 with leucine.
Molecular consequence: missense variant.
Genome position (GRCh38, 1-based): chr5:66,048,757, G>T. VCF-style: chr5-66048757-G-T. GRCh37 (hg19) VCF-style: chr5-65344585-G-T.
Other names: c.1879G>T, p.Val627Leu (NM_001006600.3, NM_001253698.2, NM_001253699.2 and 1 more transcripts); c.1867G>T, p.Val623Leu (NM_001253701.2); short protein forms V623L, V627L.
Identifiers: ClinVar variation 1721392 (VCV001721392.5), dbSNP rs139924770, ClinGen allele CA359863627.